The following is an entry in ClinVar:

NM_000054.7(AVPR2):c.752_758del (p.Arg251fs)

Gene: AVPR2 (arginine vasopressin receptor 2; plus strand). Cytogenetic location: Xq28.
Variant type: Deletion.
Coding change: c.752_758del on transcript NM_000054.7 (MANE Select); coding-DNA positions 752 to 758, 7 bases deleted (GCCGGAC; older notation c.752_758delGCCGGAC).
Protein change: p.Arg251fs; shifts the reading frame from arginine 251.
Molecular consequence: frameshift variant. On other transcripts: non-coding transcript variant (1).
Genome position (GRCh38, 1-based): chrX:153,906,258-153,906,264, GCCGGAC deleted; deleting any 7 consecutive bases within chrX:153,906,254-153,906,264 gives the same sequence; the c. name uses the placement nearest the transcript's 3' end. VCF-style (leftmost placement, unchanged base first): chrX-153906253-GGGACGCC-G. GRCh37 (hg19) VCF-style: chrX-153171707-GGGACGCC-G.
Other names: c.752_758del, p.Arg251fs (NM_001146151.3); short protein forms R251fs.
Identifiers: ClinVar variation 35744 (VCV000035744.4), dbSNP rs193922118, ClinGen allele CA260168.
Genomic context (GRCh38, chrX:153,906,253, plus strand): 5'-CCGGGAGATTCATGCCAGTCTGGTGCCAGGGCCATCAGAGAGGCCTGGGGGGCGCCGCAG[GGGACGCC>G]GGACAGGCAGCCCCGGTGAGGGAGCCCACGTGTCAGCAGCTGTGGCCAAGACTGTGAGGA-3'

ClinVar aggregate classification (germline): Likely pathogenic. Review status: criteria provided, multiple submitters, no conflicts (2 of 4 stars). 2 submissions from 2 submitters: Likely pathogenic (2). Last evaluated 2021-11-30.

Conditions:
Diabetes insipidus, nephrogenic, X-linked. Also called: Nephrogenic Diabetes Insipidus, Type I. Identifiers: Orphanet 223, MedGen C1563705, MONDO:0010581, OMIM 304800.
Nephrogenic syndrome of inappropriate antidiuresis (NSIAD). Identifiers: Orphanet 93606, MedGen C1845202, MONDO:0010356, OMIM 300539.
Nephrogenic diabetes insipidus. Identifiers: Orphanet 223, MedGen C0162283, MONDO:0016383, HP:0009806.

Submissions (2):

Fulgent Genetics
Classification: Likely pathogenic for Nephrogenic syndrome of inappropriate antidiuresis; Diabetes insipidus, nephrogenic, X-linked. Last evaluated: 2021-11-30. Review status: criteria provided, single submitter. Criteria: ACMG Guidelines, 2015. Collection method: clinical testing. Allele origin: unknown.

Women's Health and Genetics/Laboratory Corporation of America, LabCorp
Classification: Likely pathogenic for Nephrogenic Diabetes Insipidus. Last evaluated: 2011-08-18. Review status: criteria provided, single submitter. Criteria: LabCorp Variant Classification Summary - May 2015. Collection method: curation, clinical testing. Allele origin: germline. Inheritance: Xlinked unknown. Affected: yes.
ClinVar note: Converted during submission from likely pathogenic to Likely pathogenic.